The following is an entry in ClinVar:

ClinVar aggregate classification (germline): Conflicting classifications of pathogenicity. Review status: criteria provided, conflicting classifications (1 of 4 stars). 3 submissions from 3 submitters: Uncertain significance (2); Likely benign (1). Last evaluated 2025-08-06.

Conditions:
Cardiovascular phenotype. Identifiers: MedGen CN230736.

Allele frequency attached by ClinVar (database versions not stated): 1000 Genomes Project 30x 0.00031; 1000 Genomes Project 0.00040.
gnomAD v4.1: 63 of 1,600,902 alleles (0.0039%); highest among the groups gnomAD compares: South Asian, 0.068%; no homozygotes.

Submissions (3):

Labcorp Genetics (formerly Invitae), Labcorp
Classification: Likely benign. Last evaluated: 2025-08-06. Review status: criteria provided, single submitter. Criteria: Invitae Variant Classification Sherloc (09022015). Collection method: clinical testing. Allele origin: germline.

Ambry Genetics
Classification: Uncertain significance for Cardiovascular phenotype. Last evaluated: 2025-01-28. Review status: criteria provided, single submitter. Criteria: Ambry Variant Classification Scheme 2023. Collection method: clinical testing. Allele origin: germline.
Comment: The p.R437L variant (also known as c.1310G>T), located in coding exon 8 of the TBX20 gene, results from a G to T substitution at nucleotide position 1310. The arginine at codon 437 is replaced by leucine, an amino acid with dissimilar properties. This amino acid position is highly conserved in available vertebrate species. In addition, this alteration is predicted to be deleterious by in silico analysis. Since supporting evidence is limited at this time, the clinical significance of this alteration remains unclear.

GeneDx
Classification: Uncertain significance. Last evaluated: 2023-06-13. Review status: criteria provided, single submitter. Criteria: GeneDx Variant Classification Process June 2021. Collection method: clinical testing. Allele origin: germline. Affected: yes.
Comment: In silico analysis supports that this missense variant does not alter protein structure/function; Has not been previously published as pathogenic or benign to our knowledge

NM_001077653.2(TBX20):c.1310G>T (p.Arg437Leu)

Gene: TBX20 (T-box transcription factor 20; minus strand). Cytogenetic location: 7p14.2.
Variant type: single nucleotide variant.
Coding change: c.1310G>T on transcript NM_001077653.2 (MANE Select); coding-DNA position 1310, G replaced by T.
Protein change: p.Arg437Leu; replaces arginine 437 with leucine.
Molecular consequence: missense variant.
Genome position (GRCh38, 1-based): chr7:35,202,464, C>A on the plus strand (G>T on the coding strand, the complement: TBX20 is on the minus strand). VCF-style: chr7-35202464-C-A. GRCh37 (hg19) VCF-style: chr7-35242076-C-A.
Other names: short protein forms R437L.
Identifiers: ClinVar variation 1604200 (VCV001604200.12), dbSNP rs375484585, ClinGen allele CA4217318.
Genomic context (GRCh38, chr7:35,202,464, plus strand): 5'-TCTGGATTCTCCCATTTTTAGAAGAGTCATACAAATGGCGTCATCACAGCAGAGGAATGG[C>A]GTAGTCCTTGAATGGCAGCATAGGGCCCCTGCTGAAAATAGTGATGGTATCGCGGCATGT-3'
Protein context (NP_001071121.1, residues 427-447): QGPYAAIQGL[Arg437Leu]HSSAVMTPFV